The following is an entry in ClinVar:

NM_018062.4(FANCL):c.1039_1042dup (p.Ser348delinsAsnTer)

Gene: FANCL (FA complementation group L; minus strand). Cytogenetic location: 2p16.1.
Variant type: Microsatellite.
Coding change: c.1039_1042dup on transcript NM_018062.4 (MANE Select); coding-DNA positions 1039 to 1042, 4 bases duplicated (ACTA; older notation c.1039_1042dupACTA).
Protein change: p.Ser348delinsAsnTer.
Molecular consequence: nonsense. On other transcripts: frameshift variant (1).
Genome position (GRCh38, 1-based): chr2:58,160,158-58,160,161, TAGT duplicated on the plus strand (ACTA on the coding strand, the reverse complement: FANCL is on the minus strand); duplicating any 4 consecutive bases within chr2:58,160,158-58,160,165 gives the same sequence; the c. name uses the placement nearest the transcript's 3' end. VCF-style (leftmost placement, unchanged base first): chr2-58160157-C-CTAGT. GRCh37 (hg19) VCF-style: chr2-58387292-C-CTAGT.
Other names: c.1047_1050ACTA[3], p.Leu351Thrfs (NM_001114636.2); c.1084_1087dup, p.Ser363delinsAsnTer (NM_001374615.1); c.1099_1102dup, p.Ser368delinsAsnTer (NM_001410792.1).
Identifiers: ClinVar variation 2675670 (VCV002675670.5), dbSNP rs1462659024, ClinGen allele CA532803591.

ClinVar aggregate classification (germline): Likely pathogenic. Review status: criteria provided, multiple submitters, no conflicts (2 of 4 stars). 3 submissions from 3 submitters: Likely pathogenic (3). Last evaluated 2024-05-16.

Conditions:
Fanconi anemia (FA). Also called: Fanconi's anemia. Identifiers: Orphanet 84, MedGen C0015625, MeSH D005199, MONDO:0019391.
Fanconi anemia complementation group L (FANCL). Also called: FANCL-Related Fanconi Anemia. Identifiers: Orphanet 84, MedGen C3469528, MONDO:0013566, OMIM 614083.

Submissions (3):

Fulgent Genetics
Classification: Likely pathogenic for Fanconi anemia complementation group L. Last evaluated: 2024-05-16. Review status: criteria provided, single submitter. Criteria: ACMG Guidelines, 2015. Collection method: clinical testing. Allele origin: germline.

Labcorp Genetics (formerly Invitae), Labcorp
Classification: Likely pathogenic for Fanconi anemia. Last evaluated: 2023-09-28. Review status: criteria provided, single submitter. Criteria: Invitae Variant Classification Sherloc (09022015). Collection method: clinical testing. Allele origin: germline.
Comment: In summary, the currently available evidence indicates that the variant is pathogenic, but additional data are needed to prove that conclusively. Therefore, this variant has been classified as Likely Pathogenic. This variant disrupts the PHD/RING finger domain of the FANCL protein, which is necessary for FANCL interaction with Ube2t and Ube2w, and subsequent monoubiquitination of FANCD2 (PMID: 12973351, 17938197, 19111657, 24389026, 26149689). While functional studies have not been performed to directly test the effect of this variant on FANCL protein function, this suggests that disruption of this region of the protein is causative of disease. Algorithms developed to predict the effect of sequence changes on RNA splicing suggest that this variant may disrupt the consensus splice site. This variant has not been reported in the literature in individuals affected with FANCL-related conditions. This variant is present in population databases (no rsID available, gnomAD 0.007%). This sequence change creates a premature translational stop signal (p.Ser348Asnfs*2) in the FANCL gene. While this is not anticipated to result in nonsense mediated decay, it is expected to disrupt the last 28 amino acid(s) of the FANCL protein.

Baylor Genetics
Classification: Likely pathogenic for Fanconi anemia complementation group L. Last evaluated: 2023-02-01. Review status: criteria provided, single submitter. Criteria: ACMG Guidelines, 2015. Collection method: clinical testing. Allele origin: unknown.

Literature cited by the submitters: PubMed 12973351 (cited by Labcorp Genetics (formerly Invitae), Labcorp); PubMed 17938197 (cited by Labcorp Genetics (formerly Invitae), Labcorp); PubMed 19111657 (cited by Labcorp Genetics (formerly Invitae), Labcorp); PubMed 24389026 (cited by Labcorp Genetics (formerly Invitae), Labcorp); PubMed 26149689 (cited by Labcorp Genetics (formerly Invitae), Labcorp).